The following is an entry in ClinVar:

NM_004171.4(SLC1A2):c.1181C>A (p.Ala394Glu)

Gene: SLC1A2 (solute carrier family 1 member 2; minus strand). Cytogenetic location: 11p13.
Variant type: single nucleotide variant.
Coding change: c.1181C>A on transcript NM_004171.4 (MANE Select); coding-DNA position 1181, C replaced by A.
Protein change: p.Ala394Glu; replaces alanine 394 with glutamic acid.
Molecular consequence: missense variant.
Genome position (GRCh38, 1-based): chr11:35,286,862, G>T on the plus strand (C>A on the coding strand, the complement: SLC1A2 is on the minus strand). VCF-style: chr11-35286862-G-T. GRCh37 (hg19) VCF-style: chr11-35308409-G-T.
Other names: c.1154C>A, p.Ala385Glu (NM_001195728.3, NM_001252652.2); short protein forms A385E, A394E.
Identifiers: ClinVar variation 3573871 (VCV003573871.1).

ClinVar aggregate classification (germline): Uncertain significance (1 of 4 stars; one submission).

Submission:

GeneDx
Classification: Uncertain significance. Last evaluated: 2024-07-17. Review status: criteria provided, single submitter. Criteria: GeneDx Variant Classification Process June 2021. Collection method: clinical testing. Allele origin: germline. Affected: yes.
Comment: Not observed at significant frequency in large population cohorts (gnomAD); In silico analysis supports that this missense variant has a deleterious effect on protein structure/function; Has not been previously published as pathogenic or benign to our knowledge